The following is an entry in ClinVar:

ClinVar aggregate classification (germline): Uncertain significance (1 of 4 stars; one submission).

Conditions:
Hereditary cancer-predisposing syndrome. Also called: Neoplastic Syndromes, Hereditary; Tumor predisposition; Hereditary Cancer Syndrome; Hereditary neoplastic syndrome. Identifiers: Orphanet 140162, MedGen C0027672, MeSH D009386, MONDO:0015356.

Submission:

Ambry Genetics
Classification: Uncertain significance for Hereditary cancer-predisposing syndrome. Last evaluated: 2021-12-11. Review status: criteria provided, single submitter. Criteria: Ambry Variant Classification Scheme 2023. Collection method: clinical testing. Allele origin: germline.
Comment: The p.D136Y variant (also known as c.406G>T), located in coding exon 5 of the RAD51D gene, results from a G to T substitution at nucleotide position 406. The aspartic acid at codon 136 is replaced by tyrosine, an amino acid with highly dissimilar properties. This amino acid position is conserved. In addition, this alteration is predicted to be deleterious by in silico analysis. Since supporting evidence is limited at this time, the clinical significance of this alteration remains unclear.

NM_002878.4(RAD51D):c.406G>T (p.Asp136Tyr)

Genes: RAD51D (RAD51 paralog D; minus strand), RAD51L3-RFFL (RAD51L3-RFFL readthrough; minus strand). Cytogenetic location: 17q12.
Variant type: single nucleotide variant.
Coding change: c.406G>T on transcript NM_002878.4 (MANE Select); coding-DNA position 406, G replaced by T.
Protein change: p.Asp136Tyr; replaces aspartic acid 136 with tyrosine.
Molecular consequence: missense variant. On other transcripts: non-coding transcript variant (1), intron variant (1).
Genome position (GRCh38, 1-based): chr17:35,107,062, C>A on the plus strand (G>T on the coding strand, the complement: RAD51D is on the minus strand). VCF-style: chr17-35107062-C-A. GRCh37 (hg19) VCF-style: chr17-33434081-C-A.
Other names: c.466G>T, p.Asp156Tyr (NM_001142571.2); c.145-581G>T (NM_133629.3); short protein forms D156Y, D136Y.
Identifiers: ClinVar variation 1737539 (VCV001737539.2), dbSNP rs2142433158, ClinGen allele CA399089285.